The following is an entry in ClinVar:

ClinVar aggregate classification (germline): Likely pathogenic (1 of 4 stars; one submission).

Conditions:
Wieacker-Wolff syndrome, female-restricted (WRWFFR). Identifiers: MedGen C5393303, MONDO:0026762, OMIM 301041.

Submission:

3billion
Classification: Likely pathogenic for Wieacker-Wolff syndrome, female-restricted. Last evaluated: 2024-08-09. Review status: criteria provided, single submitter. Criteria: ACMG Guidelines, 2015. Collection method: clinical testing. Allele origin: germline. Affected: yes.
Comment: The variant is not observed in the gnomAD v4.0.0 dataset. Predicted Consequence/Location: Frameshift: predicted to result in a loss or disruption of normal protein function through nonsense-mediated decay (NMD) or protein truncation. Multiple pathogenic variants are reported downstream of the variant. Therefore, this variant is classified as Likely pathogenic according to the recommendation of ACMG/AMP guideline.

NM_018684.4(ZC4H2):c.455del (p.Pro152fs)

Gene: ZC4H2 (zinc finger C4H2-type containing; minus strand). Cytogenetic location: Xq11.2.
Variant type: Deletion.
Coding change: c.455del on transcript NM_018684.4 (MANE Select); coding-DNA position 455, one base deleted (C; older notation c.455delC).
Protein change: p.Pro152fs; shifts the reading frame from proline 152.
Molecular consequence: frameshift variant. On other transcripts: non-coding transcript variant (1), intron variant (1).
Genome position (GRCh38, 1-based): chrX:64,919,148, G deleted on the plus strand (C on the coding strand, the reverse complement: ZC4H2 is on the minus strand); the first of 3 consecutive G bases (chrX:64,919,148-64,919,150); deleting any one gives the same sequence. VCF-style (leftmost placement, unchanged base first): chrX-64919147-AG-A. GRCh37 (hg19) VCF-style: chrX-64139027-AG-A.
Other names: c.386del, p.Pro129fs (NM_001178032.3, NM_001243804.2); c.398+933del (NM_001178033.3); short protein forms P129fs, P152fs.
Identifiers: ClinVar variation 4292763 (VCV004292763.1).